The following is an entry in ClinVar:

ClinVar aggregate classification (germline): Uncertain significance (1 of 4 stars; one submission).

gnomAD v4.1: 40 of 1,603,030 alleles (0.0025%); highest among the groups gnomAD compares: Non-Finnish European, 0.00025%; no homozygotes.

Submission:

Labcorp Genetics (formerly Invitae), Labcorp
Classification: Uncertain significance. Last evaluated: 2025-09-30. Review status: criteria provided, single submitter. Criteria: Invitae Variant Classification Sherloc (09022015). Collection method: clinical testing. Allele origin: germline.
Comment: This sequence change affects a donor splice site in intron 3 of the TOP1MT gene. It is expected to disrupt RNA splicing. Variants that disrupt the donor or acceptor splice site typically lead to a loss of protein function (PMID: 16199547), however the current clinical and genetic evidence is not sufficient to establish whether loss-of-function variants in TOP1MT cause disease. This variant is present in population databases (rs773764755, gnomAD 0.1%), and has an allele count higher than expected for a pathogenic variant. This variant has not been reported in the literature in individuals affected with TOP1MT-related conditions. ClinVar contains an entry for this variant (Variation ID: 3612495). Algorithms developed to predict the effect of sequence changes on RNA splicing suggest that this variant may disrupt the consensus splice site. In summary, the available evidence is currently insufficient to determine the role of this variant in disease. Therefore, it has been classified as a Variant of Uncertain Significance.

Literature cited by the submitters: PubMed 16199547.

NM_052963.3(TOP1MT):c.360+2T>G

Gene: TOP1MT (DNA topoisomerase I mitochondrial; minus strand). Cytogenetic location: 8q24.3.
Variant type: single nucleotide variant.
Coding change: c.360+2T>G on transcript NM_052963.3 (MANE Select); the canonical splice donor site of the intron after coding-DNA position 360, T replaced by G.
Molecular consequence: splice donor variant.
Genome position (GRCh38, 1-based): chr8:143,329,348, A>C on the plus strand (T>G on the coding strand, the complement: TOP1MT is on the minus strand). VCF-style: chr8-143329348-A-C. GRCh37 (hg19) VCF-style: chr8-144411518-A-C.
Other names: c.66+2T>G (NM_001258447.1, NM_001258446.1).
Identifiers: ClinVar variation 3612495 (VCV003612495.2).